The following is an entry in ClinVar:

ClinVar aggregate classification (germline): Likely pathogenic. Review status: criteria provided, single submitter (1 of 4 stars). 2 submissions from 2 submitters: Likely pathogenic (1). 1 of the submissions does not count toward it. Last evaluated 2019-05-28.

Conditions:
KIF1A-related disorder. Also called: KIF1A-related disorders; KIF1A-related condition.
Hereditary spastic paraplegia 30. Identifiers: Orphanet 101010, MedGen C5235139, MONDO:0012476.

Submissions (2):

Mendelics
Classification: Likely pathogenic for Spastic paraplegia 30A, autosomal dominant. Last evaluated: 2019-05-28. Review status: criteria provided, single submitter. Criteria: Mendelics Assertion Criteria 2017. Collection method: clinical testing. Allele origin: unknown.

PreventionGenetics, part of Exact Sciences
Classification: Uncertain significance for KIF1A-related condition. Last evaluated: 2024-09-05. Review status: no assertion criteria provided. Collection method: clinical testing. Allele origin: germline. Not counted in ClinVar's aggregate classification.
Comment: The KIF1A c.233G>A variant is predicted to result in the amino acid substitution p.Gly78Asp. To our knowledge, this variant has not been reported in the literature or in a large population database, indicating this variant is rare. However, another missense variant affecting the same amino acid (c.232G>A, p.Gly78Ser) has been reported in an individual with spastic paraplegia (Pennings et al. 2020. PubMed ID: 31488895). Although we suspect that this variant may be pathogenic, at this time, the clinical significance of this variant is uncertain due to the absence of conclusive functional and genetic evidence.

NM_001244008.2(KIF1A):c.233G>A (p.Gly78Asp)

Gene: KIF1A (kinesin family member 1A; minus strand). Cytogenetic location: 2q37.3.
Variant type: single nucleotide variant.
Coding change: c.233G>A on transcript NM_001244008.2 (MANE Select); coding-DNA position 233, G replaced by A.
Protein change: p.Gly78Asp; replaces glycine 78 with aspartic acid.
Molecular consequence: missense variant.
Genome position (GRCh38, 1-based): chr2:240,788,181, C>T on the plus strand (G>A on the coding strand, the complement: KIF1A is on the minus strand). VCF-style: chr2-240788181-C-T. GRCh37 (hg19) VCF-style: chr2-241727598-C-T.
Other names: c.233G>A, p.Gly78Asp (NM_001320705.2, NM_001330289.2, NM_001330290.2 and 20 more transcripts); c.233G>A (NM_001244008.1); short protein forms G78D.
Identifiers: ClinVar variation 801920 (VCV000801920.2), dbSNP rs1575637048, ClinGen allele CA351310807.
Genomic context (GRCh38, chr2:240,788,181, plus strand): 5'-TGCCCATAGGCGAAGATGCACACGTTGTATCCCTCAAAGGCATGCTGCAGCATCTCCTCG[C>T]CGATGTCCCGGTACACCTGCTTCTGCGACGCGTAGTTGATGTCCTCAGGCTGGAGGACGA-3'
Protein context (NP_001230937.1, residues 68-88): ASQKQVYRDI[Gly78Asp]EEMLQHAFEG